The following is an entry in ClinVar:

ClinVar aggregate classification (germline): Uncertain significance (1 of 4 stars; one submission).

Conditions:
Hereditary cancer-predisposing syndrome. Also called: Neoplastic Syndromes, Hereditary; Tumor predisposition; Hereditary neoplastic syndrome; Hereditary Cancer Syndrome. Identifiers: Orphanet 140162, MedGen C0027672, MeSH D009386, MONDO:0015356.

Submission:

Ambry Genetics
Classification: Uncertain significance for Hereditary cancer-predisposing syndrome. Last evaluated: 2026-07-14. Review status: criteria provided, single submitter. Criteria: Ambry Variant Classification Scheme 2023. Collection method: clinical testing. Allele origin: germline.
Comment: The p.Q1447K variant (also known as c.4339C>A), located in coding exon 15 of the APC gene, results from a C to A substitution at nucleotide position 4339. The glutamine at codon 1447 is replaced by lysine, an amino acid with similar properties. This amino acid position is not well conserved in available vertebrate species. In addition, in silico predictors for this gene do not accurately predict pathogenicity. Missense variants in APC are not a common cause of disease (Spier I et al. Genet Med. 2024 Feb;26(2):100992). Based on the available evidence, the clinical significance of this variant remains unclear.

NM_000038.6(APC):c.4339C>A (p.Gln1447Lys)

Gene: APC (APC regulator of Wnt signaling pathway; plus strand). Cytogenetic location: 5q22.2.
Variant type: single nucleotide variant.
Coding change: c.4339C>A on transcript NM_000038.6 (MANE Select); coding-DNA position 4339, C replaced by A.
Protein change: p.Gln1447Lys; replaces glutamine 1447 with lysine.
Molecular consequence: missense variant. On other transcripts: non-coding transcript variant (2).
Genome position (GRCh38, 1-based): chr5:112,839,933, C>A. VCF-style: chr5-112839933-C-A. GRCh37 (hg19) VCF-style: chr5-112175630-C-A.
Other names: c.4339C>A, p.Gln1447Lys (NM_001127510.3, NM_001354895.2, NM_001407450.1); c.4285C>A, p.Gln1429Lys (NM_001127511.3); c.4393C>A, p.Gln1465Lys (NM_001354896.2, NM_001407447.1, NM_001407448.1 and 1 more transcripts); c.4369C>A, p.Gln1457Lys (NM_001354897.2); c.4264C>A, p.Gln1422Lys (NM_001354898.2); c.4255C>A, p.Gln1419Lys (NM_001354899.2); c.4216C>A, p.Gln1406Lys (NM_001354900.2); c.4162C>A, p.Gln1388Lys (NM_001354901.2, NM_001407453.1); and 11 more; short protein forms Q1318K, Q1356K, Q1388K, Q1429K, Q1447K, Q1457K, Q1419K, Q1437K.
Identifiers: ClinVar variation 5025375 (VCV005025375.1).